The following is an entry in ClinVar:

ClinVar aggregate classification (germline): Pathogenic (1 of 4 stars; one submission).

Submission:

Labcorp Genetics (formerly Invitae), Labcorp
Classification: Pathogenic. Last evaluated: 2023-10-11. Review status: criteria provided, single submitter. Criteria: Invitae Variant Classification Sherloc (09022015). Collection method: clinical testing. Allele origin: germline.
Comment: This sequence change creates a premature translational stop signal (p.Ser346Trpfs*15) in the HPS1 gene. It is expected to result in an absent or disrupted protein product. Loss-of-function variants in HPS1 are known to be pathogenic (PMID: 12442288, 16185271). This variant is not present in population databases (gnomAD no frequency). This variant has not been reported in the literature in individuals affected with HPS1-related conditions. For these reasons, this variant has been classified as Pathogenic.

Literature cited by the submitters: PubMed 12442288; PubMed 16185271.

NM_000195.5(HPS1):c.1034_1035insCTGGGCCC (p.Ser346fs)

Gene: HPS1 (HPS1 biogenesis of lysosomal organelles complex 3 subunit 1; minus strand). Cytogenetic location: 10q24.2.
Variant type: Insertion.
Coding change: c.1034_1035insCTGGGCCC on transcript NM_000195.5 (MANE Select); coding-DNA positions 1034 to 1035, CTGGGCCC inserted.
Protein change: p.Ser346fs; shifts the reading frame from serine 346.
Molecular consequence: frameshift variant.
Genome position: GRCh38 VCF-style: chr10-98425938-A-AGGGCCCAG. GRCh37 (hg19) VCF-style: chr10-100185695-A-AGGGCCCAG.
Other names: c.62_63insCTGGGCCC, p.Ser22fs (NM_001311345.2, NM_001322487.2, NM_001322489.2); c.1034_1035insCTGGGCCC, p.Ser346fs (NM_001322476.2, NM_001322477.2); c.935_936insCTGGGCCC, p.Ser313fs (NM_001322478.2, NM_001322479.2); c.773_774insCTGGGCCC, p.Ser259fs (NM_001322480.2, NM_001322481.2); c.674_675insCTGGGCCC, p.Ser226fs (NM_001322482.2); c.665_666insCTGGGCCC, p.Ser223fs (NM_001322483.2, NM_001322484.2); c.566_567insCTGGGCCC, p.Ser190fs (NM_001322485.2); short protein forms S226fs, S259fs, S223fs, S22fs, S313fs, S346fs, S190fs.
Identifiers: ClinVar variation 2907014 (VCV002907014.3), dbSNP rs2538839551, ClinGen allele CA2610458621.